The following is an entry in ClinVar:

NM_014049.5(ACAD9):c.1518C>G (p.Tyr506Ter)

Gene: ACAD9 (acyl-CoA dehydrogenase family member 9; plus strand). Cytogenetic location: 3q21.3.
Variant type: single nucleotide variant.
Coding change: c.1518C>G on transcript NM_014049.5 (MANE Select); coding-DNA position 1518, C replaced by G.
Protein change: p.Tyr506Ter; replaces tyrosine 506 with a stop codon.
Molecular consequence: nonsense. On other transcripts: non-coding transcript variant (1).
Genome position (GRCh38, 1-based): chr3:128,909,376, C>G. VCF-style: chr3-128909376-C-G. GRCh37 (hg19) VCF-style: chr3-128628219-C-G.
Other names: c.1149C>G, p.Tyr383Ter (NM_001410805.1); short protein forms Y506*, Y383*.
Identifiers: ClinVar variation 2696595 (VCV002696595.3), dbSNP rs1936038822, ClinGen allele CA354438559.

ClinVar aggregate classification (germline): Pathogenic (1 of 4 stars; one submission).

Submission:

Labcorp Genetics (formerly Invitae), Labcorp
Classification: Pathogenic. Last evaluated: 2023-11-17. Review status: criteria provided, single submitter. Criteria: Invitae Variant Classification Sherloc (09022015). Collection method: clinical testing. Allele origin: germline.
Comment: This sequence change creates a premature translational stop signal (p.Tyr506*) in the ACAD9 gene. It is expected to result in an absent or disrupted protein product. Loss-of-function variants in ACAD9 are known to be pathogenic (PMID: 25721401). This variant is not present in population databases (gnomAD no frequency). This variant has not been reported in the literature in individuals affected with ACAD9-related conditions. For these reasons, this variant has been classified as Pathogenic.

Literature cited by the submitters: PubMed 25721401.